The following is an entry in ClinVar:

ClinVar aggregate classification (germline): Uncertain significance (1 of 4 stars; one submission).

gnomAD v4.1: 1 of 1,611,446 alleles (0.000062%); highest among the groups gnomAD compares: Non-Finnish European, 0.000085%; no homozygotes.

Submission:

GeneDx
Classification: Uncertain significance. Last evaluated: 2026-02-19. Review status: criteria provided, single submitter. Criteria: GeneDx Variant Classification Process June 2021. Collection method: clinical testing. Allele origin: germline.
Comment: Not observed at significant frequency in large population cohorts (gnomAD); In silico analysis suggests that this missense variant does not alter protein structure/function; Has not been previously published as pathogenic or benign to our knowledge

NM_001348800.3(ZBTB20):c.706C>A (p.Pro236Thr)

Gene: ZBTB20 (zinc finger and BTB domain containing 20; minus strand). Cytogenetic location: 3q13.31.
Variant type: single nucleotide variant.
Coding change: c.706C>A on transcript NM_001348800.3 (MANE Select); coding-DNA position 706, C replaced by A.
Protein change: p.Pro236Thr; replaces proline 236 with threonine.
Molecular consequence: missense variant.
Genome position (GRCh38, 1-based): chr3:114,351,372, G>T on the plus strand (C>A on the coding strand, the complement: ZBTB20 is on the minus strand). VCF-style: chr3-114351372-G-T. GRCh37 (hg19) VCF-style: chr3-114070219-G-T.
Other names: c.706C>A, p.Pro236Thr (NM_001164342.2, NM_001348803.3, NM_001393393.1 and 1 more transcripts); c.487C>A, p.Pro163Thr (NM_001164343.2, NM_001164344.4, NM_001164345.4 and 9 more transcripts); short protein forms P163T, P236T.
Identifiers: ClinVar variation 5009852 (VCV005009852.1).